The following is an entry in ClinVar:

ClinVar aggregate classification (germline): Uncertain significance (1 of 4 stars; one submission).

Conditions:
Hereditary cancer-predisposing syndrome. Also called: Neoplastic Syndromes, Hereditary; Tumor predisposition; Hereditary neoplastic syndrome; Hereditary Cancer Syndrome. Identifiers: Orphanet 140162, MedGen C0027672, MeSH D009386, MONDO:0015356.

Submission:

Ambry Genetics
Classification: Uncertain significance for Hereditary cancer-predisposing syndrome. Last evaluated: 2023-11-22. Review status: criteria provided, single submitter. Criteria: Ambry Variant Classification Scheme 2023. Collection method: clinical testing. Allele origin: germline.
Comment: The p.R174S variant (also known as c.522A>C), located in coding exon 3 of the MSH6 gene, results from an A to C substitution at nucleotide position 522. The arginine at codon 174 is replaced by serine, an amino acid with dissimilar properties. This amino acid position is conserved. In addition, this alteration is predicted to be tolerated by in silico analysis. Since supporting evidence is limited at this time, the clinical significance of this alteration remains unclear.

NM_000179.3(MSH6):c.522A>C (p.Arg174Ser)

Gene: MSH6 (mutS homolog 6; plus strand). Cytogenetic location: 2p16.3.
Variant type: single nucleotide variant.
Coding change: c.522A>C on transcript NM_000179.3 (MANE Select); coding-DNA position 522, A replaced by C.
Protein change: p.Arg174Ser; replaces arginine 174 with serine.
Molecular consequence: missense variant. On other transcripts: 5 prime UTR variant (5), non-coding transcript variant (5), intron variant (8).
Genome position (GRCh38, 1-based): chr2:47,795,958, A>C. VCF-style: chr2-47795958-A-C. GRCh37 (hg19) VCF-style: chr2-48023097-A-C.
Other names: c.-381A>C (NM_001281494.2); c.618A>C, p.Arg206Ser (NM_001406795.1, NM_001406802.1); c.522A>C, p.Arg174Ser (NM_001406796.1, NM_001406798.1, NM_001406800.1 and 5 more transcripts); c.225A>C, p.Arg75Ser (NM_001406797.1, NM_001406801.1, NM_001406805.1 and 10 more transcripts); c.-4A>C (NM_001406799.1, NM_001406806.1, NM_001406807.1); c.444A>C, p.Arg148Ser (NM_001406804.1); c.528A>C, p.Arg176Ser (NM_001406813.1); c.-473A>C (NM_001406814.1); and 3 more; short protein forms R118S, R148S, R174S, R176S, R206S, R75S.
Identifiers: ClinVar variation 3230583 (VCV003230583.1), dbSNP rs779496213, ClinGen allele CA346738687.
Genomic context (GRCh38, chr2:47,795,958, plus strand): 5'-AAAATCAAAGGAAGCCCAGAAGGGAGGTCATTTTTACAGTGCAAAGCCTGAAATACTGAG[A>C]GCAATGCAACGTGCAGATGAAGCCTTAAATAAAGACAAGATTAAGAGGCTTGAATTGGCA-3'
Protein context (NP_000170.1, residues 164-184): HFYSAKPEIL[Arg174Ser]AMQRADEALN